The following is an entry in ClinVar:

NM_001164586.2(IGFN1):c.5940C>T (p.Phe1980=)

Gene: IGFN1 (immunoglobulin like and fibronectin type III domain containing 1; plus strand). Cytogenetic location: 1q32.1.
Variant type: single nucleotide variant.
Coding change: c.5940C>T on transcript NM_001164586.2 (MANE Select); coding-DNA position 5940, C replaced by T.
Protein change: p.Phe1980=; no amino-acid change (phenylalanine 1980 retained).
Molecular consequence: synonymous variant. On other transcripts: intron variant (1).
Genome position (GRCh38, 1-based): chr1:201,210,833, C>T. VCF-style: chr1-201210833-C-T. GRCh37 (hg19) VCF-style: chr1-201179961-C-T.
Other names: c.1242-2673C>T (NM_001367841.1).
Identifiers: ClinVar variation 2639761 (VCV002639761.24), dbSNP rs753490302, ClinGen allele CA1322668.

ClinVar aggregate classification (germline): Likely benign (1 of 4 stars; one submission).

Allele frequency attached by ClinVar (database versions not stated): 1000 Genomes Project 30x 0.00031; gnomAD 0.00046; ExAC 0.03682.

Submission:

CeGaT Center for Human Genetics Tuebingen
Classification: Likely benign. Last evaluated: 2023-05-01. Review status: criteria provided, single submitter. Criteria: CeGaT Center For Human Genetics Tuebingen Variant Classification Criteria Version 2. Collection method: clinical testing. Allele origin: germline. Affected: yes. Observed: 1 variant allele.
Comment: IGFN1: BP4, BP7